The following is an entry in ClinVar:

NM_000814.6(GABRB3):c.187G>A (p.Val63Met)

Gene: GABRB3 (gamma-aminobutyric acid type A receptor subunit beta3; minus strand). Cytogenetic location: 15q12.
Variant type: single nucleotide variant.
Coding change: c.187G>A on transcript NM_000814.6 (MANE Select); coding-DNA position 187, G replaced by A.
Protein change: p.Val63Met; replaces valine 63 with methionine.
Molecular consequence: missense variant. On other transcripts: 5 prime UTR variant (1).
Genome position (GRCh38, 1-based): chr15:26,772,455, C>T on the plus strand (G>A on the coding strand, the complement: GABRB3 is on the minus strand). VCF-style: chr15-26772455-C-T. GRCh37 (hg19) VCF-style: chr15-27017602-C-T.
Other names: c.-165G>A (NM_001278631.2); c.187G>A, p.Val63Met (NM_021912.5); short protein forms V63M.
Identifiers: ClinVar variation 3751292 (VCV003751292.2).

ClinVar aggregate classification (germline): Uncertain significance (1 of 4 stars; one submission).

Conditions:
Epilepsy, childhood absence, susceptibility to, 1. Also called: Epilepsy, childhood absence 1. Identifiers: Orphanet 64280, MedGen C1838604, MONDO:0020759, OMIM 600131.
Epilepsy, childhood absence, susceptibility to, 5. Identifiers: Orphanet 64280, MedGen C2677087, MONDO:0012843, OMIM 612269.

gnomAD v4.1: 1 of 1,610,852 alleles (0.000062%); highest among the groups gnomAD compares: Non-Finnish European, 0.000085%; no homozygotes.

Submission:

Labcorp Genetics (formerly Invitae), Labcorp
Classification: Uncertain significance for Epilepsy, childhood absence, susceptibility to, 5; Epilepsy, childhood absence, susceptibility to, 1. Last evaluated: 2024-10-28. Review status: criteria provided, single submitter. Criteria: Invitae Variant Classification Sherloc (09022015). Collection method: clinical testing. Allele origin: germline.
Comment: This sequence change replaces valine, which is neutral and non-polar, with methionine, which is neutral and non-polar, at codon 63 of the GABRB3 protein (p.Val63Met). This variant is not present in population databases (gnomAD no frequency). This variant has not been reported in the literature in individuals affected with GABRB3-related conditions. Invitae Evidence Modeling of protein sequence and biophysical properties (such as structural, functional, and spatial information, amino acid conservation, physicochemical variation, residue mobility, and thermodynamic stability) indicates that this missense variant is expected to disrupt GABRB3 protein function with a positive predictive value of 95%. In summary, the available evidence is currently insufficient to determine the role of this variant in disease. Therefore, it has been classified as a Variant of Uncertain Significance.